The following is an entry in ClinVar:

NM_016032.4(ZDHHC9):c.844A>T (p.Asn282Tyr)

Gene: ZDHHC9 (zinc finger DHHC-type palmitoyltransferase 9; minus strand). Cytogenetic location: Xq26.1.
Variant type: single nucleotide variant.
Coding change: c.844A>T on transcript NM_016032.4 (MANE Select); coding-DNA position 844, A replaced by T.
Protein change: p.Asn282Tyr; replaces asparagine 282 with tyrosine.
Molecular consequence: missense variant.
Genome position (GRCh38, 1-based): chrX:129,811,443, T>A on the plus strand (A>T on the coding strand, the complement: ZDHHC9 is on the minus strand). VCF-style: chrX-129811443-T-A. GRCh37 (hg19) VCF-style: chrX-128945419-T-A.
Other names: c.844A>T, p.Asn282Tyr (NM_001008222.3); short protein forms N282Y.
Identifiers: ClinVar variation 3341062 (VCV003341062.1).

ClinVar aggregate classification (germline): Uncertain significance (1 of 4 stars; one submission).

Submission:

GeneDx
Classification: Uncertain significance. Last evaluated: 2023-12-06. Review status: criteria provided, single submitter. Criteria: GeneDx Variant Classification Process June 2021. Collection method: clinical testing. Allele origin: germline. Affected: yes.
Comment: Not observed at significant frequency in large population cohorts (gnomAD); In silico analysis supports that this missense variant has a deleterious effect on protein structure/function; In silico analysis, which includes splice predictors and evolutionary conservation, suggests this variant may impact gene splicing. In the absence of RNA/functional studies, the actual effect of this sequence change is unknown.; Has not been previously published as pathogenic or benign to our knowledge